The following is an entry in ClinVar:

NM_000020.3(ACVRL1):c.1360C>T (p.Arg454Trp)

Gene: ACVRL1 (activin A receptor like type 1; plus strand). Cytogenetic location: 12q13.13.
Variant type: single nucleotide variant.
Coding change: c.1360C>T on transcript NM_000020.3 (MANE Select); coding-DNA position 1360, C replaced by T.
Protein change: p.Arg454Trp; replaces arginine 454 with tryptophan.
Molecular consequence: missense variant.
Genome position (GRCh38, 1-based): chr12:51,919,098, C>T. VCF-style: chr12-51919098-C-T. GRCh37 (hg19) VCF-style: chr12-52312882-C-T.
Other names: p.Arg454Trp; c.1360C>T, p.Arg454Trp (NM_001077401.2); short protein forms R454W.
Identifiers: ClinVar variation 1346853 (VCV001346853.30), dbSNP rs373133784, ClinGen allele CA6573125.

ClinVar aggregate classification (germline): Conflicting classifications of pathogenicity. Review status: criteria provided, conflicting classifications (1 of 4 stars). 4 submissions from 4 submitters: Uncertain significance (1); Likely benign (3). Last evaluated 2025-12-14.

Conditions:
Telangiectasia, hereditary hemorrhagic, type 2 (HHT2). Also called: ACVRL1-Related Hereditary Hemorrhagic Telangiectasia; Telangiectasia, hereditary hemorrhagic, type II. Identifiers: Orphanet 774, MedGen C1838163, MONDO:0010880, OMIM 600376. Disease mechanism: loss of function.

Allele frequency attached by ClinVar (database versions not stated): gnomAD 0.00006; gnomAD exomes 0.00007 and 0.00020; ESP Exome Variant Server 0.00008; TOPMed 0.00012; ExAC 0.00021; 1000 Genomes Project 30x 0.00031; 1000 Genomes Project 0.00040.
gnomAD v4.1: 113 of 1,613,872 alleles (0.007%); highest among the groups gnomAD compares: Middle Eastern, 0.066%; 1 homozygote.

Submissions (4):

Mayo Clinic Laboratories, Mayo Clinic
Classification: Likely benign. Last evaluated: 2025-12-14. Review status: criteria provided, single submitter. Criteria: ACMG Guidelines, 2015. Collection method: clinical testing. Allele origin: germline. Observed: 1 variant allele.
Comment: BS1, BS3_supporting

Women's Health and Genetics/Laboratory Corporation of America, LabCorp
Classification: Likely benign. Last evaluated: 2025-11-04. Review status: criteria provided, single submitter. Criteria: LabCorp Variant Classification Summary - May 2015. Collection method: clinical testing. Allele origin: germline.
Comment: Variant summary: ACVRL1 c.1360C>T (p.Arg454Trp) results in a non-conservative amino acid change in the encoded protein sequence. Algorithms developed to predict the effect of missense changes on protein structure and function are either unavailable or do not agree on the potential impact of this missense change. The variant allele was found at a frequency of 0.0002 in 251420 control chromosomes. The observed variant frequency exceeds the estimated maximal expected allele frequency for disease-causing variants in ACVRL1. To our knowledge, no occurrence of c.1360C>T in individuals affected with ACVRL1-related conditions has been reported. At least one publication reports experimental evidence evaluating an impact on protein function (Ricard_2010). These results showed no damaging effect of this variant. The following publication have been ascertained in the context of this evaluation (PMID: 20501893). ClinVar contains an entry for this variant (Variation ID: 1346853). Based on the evidence outlined above, the variant was classified as likely benign.

CeGaT Center for Human Genetics Tuebingen
Classification: Likely benign. Last evaluated: 2025-04-01. Review status: criteria provided, single submitter. Criteria: CeGaT Center For Human Genetics Tuebingen Variant Classification Criteria Version 2. Collection method: clinical testing. Allele origin: germline. Affected: yes. Observed: 12 variant alleles.
Comment: ACVRL1: BS1

Labcorp Genetics (formerly Invitae), Labcorp
Classification: Uncertain significance for Telangiectasia, hereditary hemorrhagic, type 2. Last evaluated: 2022-07-06. Review status: criteria provided, single submitter. Criteria: Invitae Variant Classification Sherloc (09022015). Collection method: clinical testing. Allele origin: germline.
Comment: This sequence change replaces arginine, which is basic and polar, with tryptophan, which is neutral and slightly polar, at codon 454 of the ACVRL1 protein (p.Arg454Trp). This variant is present in population databases (rs373133784, gnomAD 0.06%), and has an allele count higher than expected for a pathogenic variant. This missense change has been observed in individual(s) with ACVRL1-related conditions (PMID: 20501893). ClinVar contains an entry for this variant (Variation ID: 1346853). Advanced modeling of protein sequence and biophysical properties (such as structural, functional, and spatial information, amino acid conservation, physicochemical variation, residue mobility, and thermodynamic stability) performed at Invitae indicates that this missense variant is expected to disrupt ACVRL1 protein function. Experimental studies have shown that this missense change does not substantially affect ACVRL1 function (PMID: 20501893). In summary, the available evidence is currently insufficient to determine the role of this variant in disease. Therefore, it has been classified as a Variant of Uncertain Significance.

Literature cited by the submitters: PubMed 20501893 (cited by 3 submitters).